The following is an entry in ClinVar:

ClinVar aggregate classification (germline): Pathogenic/Likely pathogenic. Review status: criteria provided, multiple submitters, no conflicts (2 of 4 stars). 2 submissions from 2 submitters: Pathogenic (1); Likely pathogenic (1). Last evaluated 2025-05-23.

Conditions:
Intellectual developmental disorder with cardiac defects and dysmorphic facies (IDDCDF). Identifiers: Orphanet 562569, MedGen C5193024, MONDO:0032672, OMIM 618316.

Submissions (2):

Variantyx, Inc.
Classification: Likely pathogenic for Intellectual developmental disorder with cardiac defects and dysmorphic facies. Last evaluated: 2025-05-23. Review status: criteria provided, single submitter. Criteria: Variantyx Assertion Criteria 2022. Collection method: clinical testing. Allele origin: germline. Inheritance: Autosomal recessive inheritance. Affected: no.
Comment: This is a nonsense variant in the TMEM94 gene (OMIM: 618163). Pathogenic variants in this gene have been associated with autosomal recessive intellectual developmental disorder with cardiac defects and dysmorphic facies. This variant introduces a premature termination codon in exon 14 out of 32 and is expected to result in loss of function, which is a known disease mechanism for TMEM94 in this disorder (PMID: 30526868)(PVS1). This variant is absent from control populations (PM2). Based on the current evidence, this variant is classified as likely pathogenic for autosomal recessive intellectual developmental disorder with cardiac defects and dysmorphic facies.

Labcorp Genetics (formerly Invitae), Labcorp
Classification: Pathogenic. Last evaluated: 2022-07-05. Review status: criteria provided, single submitter. Criteria: Invitae Variant Classification Sherloc (09022015). Collection method: clinical testing. Allele origin: germline.
Comment: This sequence change creates a premature translational stop signal (p.Gln494*) in the TMEM94 gene. It is expected to result in an absent or disrupted protein product. Loss-of-function variants in TMEM94 are known to be pathogenic (PMID: 30526868). This variant is not present in population databases (gnomAD no frequency). This variant has not been reported in the literature in individuals affected with TMEM94-related conditions. Algorithms developed to predict the effect of sequence changes on RNA splicing suggest that this variant may disrupt the consensus splice site. For these reasons, this variant has been classified as Pathogenic.

Literature cited by the submitters: PubMed 30526868 (cited by Variantyx, Inc. and Labcorp Genetics (formerly Invitae), Labcorp).

NM_014738.6(TMEM94):c.1450C>T (p.Gln484Ter)

Gene: TMEM94 (transmembrane protein 94; plus strand). Cytogenetic location: 17q25.1.
Variant type: single nucleotide variant.
Coding change: c.1450C>T on transcript NM_014738.6 (MANE Select); coding-DNA position 1450, C replaced by T.
Protein change: p.Gln484Ter; replaces glutamine 484 with a stop codon.
Molecular consequence: nonsense.
Genome position (GRCh38, 1-based): chr17:75,491,754, C>T. VCF-style: chr17-75491754-C-T. GRCh37 (hg19) VCF-style: chr17-73487835-C-T.
Other names: c.1480C>T, p.Gln494Ter (NM_001321148.2, NM_001351203.2); c.1462C>T, p.Gln488Ter (NM_001321149.2); c.1450C>T, p.Gln484Ter (NM_001351202.2); short protein forms Q494*, Q484*, Q488*.
Identifiers: ClinVar variation 2062831 (VCV002062831.2), dbSNP rs2052209846, ClinGen allele CA401012886.